The following is an entry in ClinVar:

NM_000478.6(ALPL):c.1509del (p.Gly504fs)

Gene: ALPL (alkaline phosphatase, biomineralization associated; plus strand). Cytogenetic location: 1p36.12.
Variant type: Deletion.
Coding change: c.1509del on transcript NM_000478.6 (MANE Select); coding-DNA position 1509, one base deleted (A; older notation c.1509delA).
Protein change: p.Gly504fs; shifts the reading frame from glycine 504.
Molecular consequence: frameshift variant.
Genome position (GRCh38, 1-based): chr1:21,577,582, A deleted. VCF-style (leftmost placement, unchanged base first): chr1-21577581-CA-C. GRCh37 (hg19) VCF-style: chr1-21904074-CA-C.
Other names: c.1344del, p.Gly449fs (NM_001127501.4); c.1278del, p.Gly427fs (NM_001177520.3); c.1509del, p.Gly504fs (NM_001369803.2, NM_001369804.2, NM_001369805.2); short protein forms G427fs, G504fs, G449fs.
Identifiers: ClinVar variation 3722290 (VCV003722290.2).

ClinVar aggregate classification (germline): Uncertain significance (1 of 4 stars; one submission).

Submission:

Labcorp Genetics (formerly Invitae), Labcorp
Classification: Uncertain significance. Last evaluated: 2024-10-05. Review status: criteria provided, single submitter. Criteria: Invitae Variant Classification Sherloc (09022015). Collection method: clinical testing. Allele origin: germline.
Comment: This sequence change creates a premature translational stop signal (p.Gly504Alafs*17) in the ALPL gene. While this is not anticipated to result in nonsense mediated decay, it is expected to disrupt the last 21 amino acid(s) of the ALPL protein. This variant is not present in population databases (gnomAD no frequency). This variant has not been reported in the literature in individuals affected with ALPL-related conditions. Experimental studies and prediction algorithms are not available or were not evaluated, and the functional significance of this variant is currently unknown. In summary, the available evidence is currently insufficient to determine the role of this variant in disease. Therefore, it has been classified as a Variant of Uncertain Significance.